The following is an entry in ClinVar:

ClinVar aggregate classification (germline): Likely benign (1 of 4 stars; one submission).

Allele frequency attached by ClinVar (database versions not stated): TOPMed 0.00007; gnomAD 0.00011; ESP Exome Variant Server 0.00015; 1000 Genomes Project 30x 0.00016; 1000 Genomes Project 0.00020.
gnomAD v4.1: 269 of 1,613,596 alleles (0.017%); highest among the groups gnomAD compares: South Asian, 0.17%; 2 homozygotes.

Submission:

CeGaT Center for Human Genetics Tuebingen
Classification: Likely benign. Last evaluated: 2023-01-01. Review status: criteria provided, single submitter. Criteria: CeGaT Center For Human Genetics Tuebingen Variant Classification Criteria Version 2. Collection method: clinical testing. Allele origin: germline. Affected: yes. Observed: 1 variant allele.
Comment: SLC37A2: BP4, BP7

NM_001145290.2(SLC37A2):c.1134G>C (p.Leu378=)

Gene: SLC37A2 (solute carrier family 37 member 2; plus strand). Cytogenetic location: 11q24.2.
Variant type: single nucleotide variant.
Coding change: c.1134G>C on transcript NM_001145290.2 (MANE Select); coding-DNA position 1134, G replaced by C.
Protein change: p.Leu378=; no amino-acid change (leucine 378 retained).
Molecular consequence: synonymous variant.
Genome position (GRCh38, 1-based): chr11:125,084,833, G>C. VCF-style: chr11-125084833-G-C. GRCh37 (hg19) VCF-style: chr11-124954729-G-C.
Other names: c.1134G>C, p.Leu378= (NM_198277.3).
Identifiers: ClinVar variation 2642512 (VCV002642512.24), dbSNP rs201989817, ClinGen allele CA6347053.